The following is an entry in ClinVar:

ClinVar aggregate classification (germline): Conflicting classifications of pathogenicity. Review status: criteria provided, conflicting classifications (1 of 4 stars). 7 submissions from 7 submitters: Likely pathogenic (3); Uncertain significance (4). Last evaluated 2025-07-24.

Conditions:
Lynch syndrome. Identifiers: Orphanet 144, MedGen C4552100, MONDO:0005835. Disease mechanism: loss of function.
Hereditary nonpolyposis colorectal neoplasms. Identifiers: MedGen C0009405, MeSH D003123.
Hereditary cancer-predisposing syndrome. Also called: Neoplastic Syndromes, Hereditary; Hereditary Cancer Syndrome; Tumor predisposition; Hereditary neoplastic syndrome. Identifiers: Orphanet 140162, MedGen C0027672, MeSH D009386, MONDO:0015356.
Endometrial carcinoma. Also called: Endometrial carcinoma, somatic. Identifiers: MedGen C0476089, MONDO:0002447, OMIM 608089, HP:0012114.

Submissions (7):

Labcorp Genetics (formerly Invitae), Labcorp
Classification: Uncertain significance for Hereditary nonpolyposis colorectal neoplasms. Last evaluated: 2025-07-24. Review status: criteria provided, single submitter. Criteria: Invitae Variant Classification Sherloc (09022015). Collection method: clinical testing. Allele origin: germline.
Comment: This sequence change replaces threonine, which is neutral and polar, with isoleucine, which is neutral and non-polar, at codon 1008 of the MSH6 protein (p.Thr1008Ile). This variant is not present in population databases (gnomAD no frequency). This missense change has been observed in individual(s) with clinical features of Lynch syndrome (PMID: 28874130). ClinVar contains an entry for this variant (Variation ID: 569009). An algorithm developed specifically for the MSH6 gene suggests that this missense change is likely to be tolerated (PMID: 23621914). Experimental studies have shown that this missense change affects MSH6 function (PMID: 31965077). In summary, the available evidence is currently insufficient to determine the role of this variant in disease. Therefore, it has been classified as a Variant of Uncertain Significance.

Ambry Genetics
Classification: Likely pathogenic for Hereditary cancer-predisposing syndrome. Last evaluated: 2025-06-06. Review status: criteria provided, single submitter. Criteria: Ambry Variant Classification Scheme 2023. Collection method: clinical testing. Allele origin: germline.
Comment: The p.T1008I variant (also known as c.3023C>T), located in coding exon 4 of the MSH6 gene, results from a C to T substitution at nucleotide position 3023. The threonine at codon 1008 is replaced by isoleucine, an amino acid with similar properties. This variant (designated as p.Thr1008Ile) has been reported in an Argentinian family with suspected Lynch syndrome (Rossi BM et al. BMC Cancer, 2017 Sep;17:623). This variant demonstrated reduced mismatch repair activity in vitro and was determined to be functionally deficient (Drost M et al. Genet Med, 2020 05;22:847-856). This variant is considered to be rare based on population cohorts in the Genome Aggregation Database (gnomAD). This amino acid position is highly conserved in available vertebrate species. In addition, this alteration is predicted to be deleterious by in silico analysis. Based on the majority of available evidence to date, this variant is likely to be pathogenic.

Hema, HEMA – Genetic and Molecular Diagnostic Laboratory
Classification: Likely pathogenic for Lynch syndrome. Last evaluated: 2024-08-12. Review status: criteria provided, single submitter. Criteria: HEMA Variant Classification Assertion Criteria. Collection method: clinical testing. Allele origin: germline.
Comment: The c.3023C>T (p.Thr1008Ile) variant is a transition from cytosine to thymine, resulting in the substitution of threonine 1008 by isoleucine in the MSH6 protein. PS3: Functional studies showed that the variant affects protein function (PMID: 31965077). PM2_Supporting: Absent in gnomAD. PP3_Moderate: Prior probability of pathogenicity score MAPP/PP2 = 0.9449 > 0.81.

Quest Diagnostics Nichols Institute San Juan Capistrano
Classification: Likely pathogenic. Last evaluated: 2024-03-08. Review status: criteria provided, single submitter. Criteria: Quest Diagnostics criteria. Collection method: clinical testing. Allele origin: unknown.
Comment: The MSH6 c.3023C>T (p.Thr1008Ile) variant has been reported in the published literature in a suspected Lynch syndrome family from Latin American (PMID: 28874130 (2017)). Functional evidence suggests that this variant may impact protein function (PMID: 31965077 (2020)). This variant has not been reported in large, multi-ethnic general populations (Genome Aggregation Database). Analysis of this variant using bioinformatics tools for the prediction of the effect of amino acid changes on protein structure and function yielded predictions that this variant is damaging. Based on the available information, this variant is classified as likely pathogenic.

GeneDx
Classification: Uncertain significance. Last evaluated: 2023-09-27. Review status: criteria provided, single submitter. Criteria: GeneDx Variant Classification Process June 2021. Collection method: clinical testing. Allele origin: germline. Affected: yes.
Comment: Not observed at significant frequency in large population cohorts (gnomAD); In silico analysis supports that this missense variant has a deleterious effect on protein structure/function; Identified in an individual from a family with suspected Lynch syndrome (Rossi et al., 2017); Published functional studies demonstrate deficient mismatch repair activity and reduced protein expression (Drost et al., 2020); This variant is associated with the following publications: (PMID: 17531815, 21120944, 23621914, 28874130, 31965077, 18384130)

Baylor Genetics
Classification: Uncertain significance for Endometrial carcinoma. Last evaluated: 2023-05-01. Review status: criteria provided, single submitter. Criteria: ACMG Guidelines, 2015. Collection method: clinical testing. Allele origin: unknown.

Color Diagnostics, LLC DBA Color Health
Classification: Uncertain significance for Hereditary cancer-predisposing syndrome. Last evaluated: 2023-01-31. Review status: criteria provided, single submitter. Criteria: ACMG Guidelines, 2015. Collection method: clinical testing. Allele origin: germline.
Comment: This missense variant replaces threonine with isoleucine at codon 1008 of the MSH6 protein. Computational prediction suggests that this variant may have deleterious impact on protein structure and function (internally defined REVEL score threshold >= 0.7, PMID: 27666373). A functional study has shown that this variant causes a significant decrease in mismatch repair activity compared to wild type protein (PMID: 31965077). This variant has been reported in an Argentinian family affected with Lynch syndrome (PMID: 28874130). This variant has also been reported by an external laboratory in an individual with Lynch syndrome-associated cancer (ClinVar SCV001179313.3). This variant has not been identified in the general population by the Genome Aggregation Database (gnomAD). The available evidence is insufficient to determine the role of this variant in disease conclusively. Therefore, this variant is classified as a Variant of Uncertain Significance.

Literature cited by the submitters: PubMed 28874130 (cited by 4 submitters); PubMed 23621914 (cited by Labcorp Genetics (formerly Invitae), Labcorp and Quest Diagnostics Nichols Institute San Juan Capistrano); PubMed 31965077 (cited by 5 submitters).

NM_000179.3(MSH6):c.3023C>T (p.Thr1008Ile)

Gene: MSH6 (mutS homolog 6; plus strand). Cytogenetic location: 2p16.3.
Variant type: single nucleotide variant.
Coding change: c.3023C>T on transcript NM_000179.3 (MANE Select); coding-DNA position 3023, C replaced by T.
Protein change: p.Thr1008Ile; replaces threonine 1008 with isoleucine.
Molecular consequence: missense variant.
Genome position (GRCh38, 1-based): chr2:47,801,006, C>T. VCF-style: chr2-47801006-C-T. GRCh37 (hg19) VCF-style: chr2-48028145-C-T.
Other names: c.2633C>T, p.Thr878Ile (NM_001281492.2); c.2117C>T, p.Thr706Ile (NM_001281493.2, NM_001281494.2); short protein forms T1008I, T706I, T878I.
Identifiers: ClinVar variation 569009 (VCV000569009.18), dbSNP rs1558667779, ClinGen allele CA346756446.